The following is an entry in ClinVar:

ClinVar aggregate classification (germline): Pathogenic (1 of 4 stars; one submission).

Submission:

GeneDx
Classification: Pathogenic. Last evaluated: 2018-02-13. Review status: criteria provided, single submitter. Criteria: GeneDx Variant Classification (06012015). Collection method: clinical testing. Allele origin: germline. Affected: yes.
Comment: The c.1083dupA variant in the SLC2A1 gene has not been reported previously as a pathogenic variant nor as a benign variant, to our knowledge. The c.1083dupA variant causes a frameshift starting with codon Proline 362, changes this amino acid to a Threonine residue, and creates a premature Stop codon at position 19 of the new reading frame, denoted p.Pro362ThrfsX19. This variant is predicted to cause loss of normal protein function either through protein truncation or nonsense-mediated mRNA decay. The c.1083dupA variant is not observed in large population cohorts (Lek et al., 2016). We interpret c.1083dupA as a pathogenic variant.

NM_006516.4(SLC2A1):c.1083dup (p.Pro362fs)

Gene: SLC2A1 (solute carrier family 2 member 1; minus strand). Cytogenetic location: 1p34.2.
Variant type: Duplication.
Coding change: c.1083dup on transcript NM_006516.4 (MANE Select); coding-DNA position 1083, one base duplicated (A; older notation c.1083dupA).
Protein change: p.Pro362fs; shifts the reading frame from proline 362.
Molecular consequence: frameshift variant.
Genome position (GRCh38, 1-based): chr1:42,927,800, T duplicated on the plus strand (A on the coding strand, the reverse complement: SLC2A1 is on the minus strand). VCF-style (leftmost placement, unchanged base first): chr1-42927799-G-GT. GRCh37 (hg19) VCF-style: chr1-43393470-G-GT.
Other names: c.1083dupA (NM_006516.2); short protein forms P362fs.
Identifiers: ClinVar variation 504365 (VCV000504365.2), dbSNP rs1553155900, ClinGen allele CA658795438.
Genomic context (GRCh38, chr1:42,927,799, plus strand): 5'-CCACTTCAAAGAAGGCCACAAAGCCAAAGATGGCCACGATGCTCAGATAGGACATCCAGG[G>GT]TAGCTGCTCCTGTTGAGGATGACGGAGAGGGGGAAAAGTTAGACTGGGTTGTGATGGATC-3'